The following is an entry in ClinVar:

ClinVar aggregate classification (germline): Uncertain significance (1 of 4 stars; one submission).

Conditions:
Cardiovascular phenotype. Identifiers: MedGen CN230736.

Submission:

Ambry Genetics
Classification: Uncertain significance for Cardiovascular phenotype. Last evaluated: 2024-06-26. Review status: criteria provided, single submitter. Criteria: Ambry Variant Classification Scheme 2023. Collection method: clinical testing. Allele origin: germline.
Comment: The p.C703Y variant (also known as c.2108G>A), located in coding exon 2 of the TNXB gene, results from a G to A substitution at nucleotide position 2108. The cysteine at codon 703 is replaced by tyrosine, an amino acid with highly dissimilar properties. This amino acid position is conserved. In addition, the in silico prediction for this alteration is inconclusive. Based on the available evidence, the clinical significance of this variant remains unclear.

NM_001365276.2(TNXB):c.2108G>A (p.Cys703Tyr)

Gene: TNXB (tenascin XB; minus strand). Cytogenetic location: 6p21.33.
Variant type: single nucleotide variant.
Coding change: c.2108G>A on transcript NM_001365276.2 (MANE Select); coding-DNA position 2108, G replaced by A.
Protein change: p.Cys703Tyr; replaces cysteine 703 with tyrosine.
Molecular consequence: missense variant.
Genome position (GRCh38, 1-based): chr6:32,095,745, C>T on the plus strand (G>A on the coding strand, the complement: TNXB is on the minus strand). VCF-style: chr6-32095745-C-T. GRCh37 (hg19) VCF-style: chr6-32063522-C-T.
Other names: c.2108G>A, p.Cys703Tyr (NM_001428335.1, NM_019105.8); short protein forms C703Y.
Identifiers: ClinVar variation 3459744 (VCV003459744.1).